The following is an entry in ClinVar:

ClinVar aggregate classification (germline): Likely pathogenic. Review status: criteria provided, multiple submitters, no conflicts (2 of 4 stars). 2 submissions from 2 submitters: Likely pathogenic (2). Last evaluated 2025-03-05.

Conditions:
TTLL5-related disorder. Also called: TTLL5-related condition.

Submissions (2):

PreventionGenetics, part of Exact Sciences
Classification: Likely pathogenic for TTLL5-related condition. Last evaluated: 2025-03-05. Review status: criteria provided, single submitter. Criteria: ACMG Guidelines, 2015. Collection method: clinical testing. Allele origin: germline.
Comment: The TTLL5 c.2388-1G>C variant is predicted to disrupt the AG splice acceptor site and interfere with normal splicing. To our knowledge, this variant has not been reported in the literature. This variant is absent in a large population database (gnomAD), indicating this variant is rare. Variants that disrupt the consensus splice acceptor site in TTLL5 are an established mechanism of disease. This variant is interpreted as likely pathogenic.

Labcorp Genetics (formerly Invitae), Labcorp
Classification: Likely pathogenic. Last evaluated: 2023-12-04. Review status: criteria provided, single submitter. Criteria: Invitae Variant Classification Sherloc (09022015). Collection method: clinical testing. Allele origin: germline.
Comment: This sequence change affects an acceptor splice site in intron 23 of the TTLL5 gene. It is expected to disrupt RNA splicing. Variants that disrupt the donor or acceptor splice site typically lead to a loss of protein function (PMID: 16199547), and loss-of-function variants in TTLL5 are known to be pathogenic (PMID: 24791901, 27162334). This variant is not present in population databases (gnomAD no frequency). Disruption of this splice site has been observed in individual(s) with clinical features of cone-rod dystrophy (Invitae). ClinVar contains an entry for this variant (Variation ID: 1520005). Algorithms developed to predict the effect of sequence changes on RNA splicing suggest that this variant may disrupt the consensus splice site. In summary, the currently available evidence indicates that the variant is pathogenic, but additional data are needed to prove that conclusively. Therefore, this variant has been classified as Likely Pathogenic.

Literature cited by the submitters: PubMed 16199547 (cited by Labcorp Genetics (formerly Invitae), Labcorp); PubMed 24791901 (cited by Labcorp Genetics (formerly Invitae), Labcorp); PubMed 27162334 (cited by Labcorp Genetics (formerly Invitae), Labcorp).

NM_015072.5(TTLL5):c.2388-1G>C

Gene: TTLL5 (tubulin tyrosine ligase like 5; plus strand). Cytogenetic location: 14q24.3.
Variant type: single nucleotide variant.
Coding change: c.2388-1G>C on transcript NM_015072.5 (MANE Select); the canonical splice acceptor site of the intron before coding-DNA position 2388, G replaced by C.
Molecular consequence: splice acceptor variant.
Genome position (GRCh38, 1-based): chr14:75,779,574, G>C. VCF-style: chr14-75779574-G-C. GRCh37 (hg19) VCF-style: chr14-76245917-G-C.
Other names: c.2388-1G>C (NM_015072.4).
Identifiers: ClinVar variation 1520005 (VCV001520005.9), dbSNP rs1206062558, ClinGen allele CA390470207.